The following is an entry in ClinVar:

ClinVar aggregate classification (germline): Uncertain significance. Review status: criteria provided, multiple submitters, no conflicts (2 of 4 stars). 2 submissions from 2 submitters: Uncertain significance (2). Last evaluated 2025-11-13.

Conditions:
SYNE1-related disorder. Also called: SYNE1-related disorders; SYNE1-related disease; SYNE1-related condition.
Emery-Dreifuss muscular dystrophy 4, autosomal dominant (EDMD4). Also called: EMERY-DREIFUSS MUSCULAR DYSTROPHY 4 WITH VARIABLE FEATURES. Identifiers: Orphanet 261, MedGen C2751807, MONDO:0013071, OMIM 612998.
Autosomal recessive ataxia, Beauce type. Also called: Spinocerebellar ataxia, autosomal recessive 8; ATAXIA, RECESSIVE, OF BEAUCE; SYNE1-Related Autosomal Recessive Cerebellar Ataxia; SYNE1 Deficiency. Identifiers: Orphanet 88644, MedGen C1853116, MONDO:0012549, OMIM 610743.

Allele frequency attached by ClinVar (database versions not stated): ExAC 0.00001; gnomAD exomes 0.00001; gnomAD 0.00002 and 0.00003; TOPMed 0.00002; ESP Exome Variant Server 0.00008.
gnomAD v4.1: 20 of 1,614,034 alleles (0.0012%); highest among the groups gnomAD compares: Middle Eastern, 0.016%; no homozygotes.

Submissions (2):

PreventionGenetics, part of Exact Sciences
Classification: Uncertain significance for SYNE1-related condition. Last evaluated: 2025-11-13. Review status: criteria provided, single submitter. Criteria: ACMG Guidelines, 2015. Collection method: clinical testing. Allele origin: germline.
Comment: The SYNE1 c.19951G>A variant is predicted to result in the amino acid substitution p.Glu6651Lys. To our knowledge, this variant has not been reported in the literature. This variant is reported in 0.0080% of alleles in individuals of African descent in gnomAD. At this time, the clinical significance of this variant is uncertain due to the absence of conclusive functional and genetic evidence.

Labcorp Genetics (formerly Invitae), Labcorp
Classification: Uncertain significance for Emery-Dreifuss muscular dystrophy 4, autosomal dominant; Autosomal recessive ataxia, Beauce type. Last evaluated: 2022-07-03. Review status: criteria provided, single submitter. Criteria: Invitae Variant Classification Sherloc (09022015). Collection method: clinical testing. Allele origin: germline.
Comment: In summary, the available evidence is currently insufficient to determine the role of this variant in disease. Therefore, it has been classified as a Variant of Uncertain Significance. Algorithms developed to predict the effect of missense changes on protein structure and function (SIFT, PolyPhen-2, Align-GVGD) all suggest that this variant is likely to be disruptive. ClinVar contains an entry for this variant (Variation ID: 1445890). This variant has not been reported in the literature in individuals affected with SYNE1-related conditions. This variant is present in population databases (rs370571896, gnomAD 0.008%). This sequence change replaces glutamic acid, which is acidic and polar, with lysine, which is basic and polar, at codon 6651 of the SYNE1 protein (p.Glu6651Lys).

NM_182961.4(SYNE1):c.20164G>A (p.Glu6722Lys)

Gene: SYNE1 (spectrin repeat containing nuclear envelope protein 1; minus strand). Cytogenetic location: 6q25.2.
Variant type: single nucleotide variant.
Coding change: c.20164G>A on transcript NM_182961.4 (MANE Select); coding-DNA position 20164, G replaced by A.
Protein change: p.Glu6722Lys; replaces glutamic acid 6722 with lysine.
Molecular consequence: missense variant.
Genome position (GRCh38, 1-based): chr6:152,236,852, C>T on the plus strand (G>A on the coding strand, the complement: SYNE1 is on the minus strand). VCF-style: chr6-152236852-C-T. GRCh37 (hg19) VCF-style: chr6-152557987-C-T.
Other names: c.19951G>A, p.Glu6651Lys (NM_033071.5); c.19951G>A (NM_033071.3); short protein forms E6722K, E6651K.
Identifiers: ClinVar variation 1445890 (VCV001445890.5), dbSNP rs370571896, ClinGen allele CA4054482.